The following is an entry in ClinVar:

NM_006218.4(PIK3CA):c.1544A>G (p.Asn515Ser)

Gene: PIK3CA (phosphatidylinositol-4,5-bisphosphate 3-kinase catalytic subunit alpha; plus strand). Cytogenetic location: 3q26.32.
Variant type: single nucleotide variant.
Coding change: c.1544A>G on transcript NM_006218.4 (MANE Select); coding-DNA position 1544, A replaced by G.
Protein change: p.Asn515Ser; replaces asparagine 515 with serine.
Molecular consequence: missense variant.
Genome position (GRCh38, 1-based): chr3:179,218,214, A>G. VCF-style: chr3-179218214-A-G. GRCh37 (hg19) VCF-style: chr3-178936002-A-G.
Other names: c.1544A>G (LRG_310t1); short protein forms N515S.
Identifiers: ClinVar variation 403903 (VCV000403903.14), dbSNP rs201371389, ClinGen allele CA2710759.
Genomic context (GRCh38, chr3:179,218,214, plus strand): 5'-CCAGAGGGGAAAAATATGACAAAGAAAGCTATATAAGATATTATTTTATTTTACAGAGTA[A>G]CAGACTAGCTAGAGACAATGAATTAAGGGAAAATGACAAAGAACAGCTCAAAGCAATTTC-3'
Protein context (NP_006209.2, residues 505-525): GFSYSHAGLS[Asn515Ser]RLARDNELRE

ClinVar aggregate classification (germline): Conflicting classifications of pathogenicity. Review status: criteria provided, conflicting classifications (1 of 4 stars). 5 submissions from 5 submitters: Uncertain significance (2); Likely benign (1). 2 of the submissions do not count toward it. Last evaluated 2025-10-15.

Conditions:
PIK3CA related overgrowth syndrome. Also called: PIK3CA related overgrowth spectrum; PIK3CA-Related Segmental Overgrowth. Identifiers: Orphanet 530313, MedGen C4728213, MONDO:1040002.
Cowden syndrome (CS). Also called: Cowden's disease; Cowden's syndrome; Cowden disease. Identifiers: Orphanet 201, MedGen C0018553, MONDO:0016063. Disease mechanism: gain of function.

Allele frequency attached by ClinVar (database versions not stated): gnomAD 0.00005; ExAC 0.00006; gnomAD exomes 0.00006 and 0.00010; TOPMed 0.00006.
gnomAD v4.1: 149 of 1,593,048 alleles (0.0094%); highest among the groups gnomAD compares: Middle Eastern, 0.033%; no homozygotes.

Submissions (5):

Clinical Genomics Laboratory, Washington University in St. Louis
Classification: Uncertain significance for PIK3CA related overgrowth syndrome. Last evaluated: 2025-10-15. Review status: criteria provided, single submitter. Criteria: ACMG Guidelines, 2015. Collection method: clinical testing. Allele origin: germline.
Comment: A PIK3CAc.1544A>G (p.Asn515Ser) variant was identified at a heterozygous allelic fraction of 49.8%, a frequency which may be consistent with it being of germline origin. This variant, to our knowledge, has not been reported in the medical literature for vascular malformations, but has been reported in one individual affected with atypical verruciform lesions of the vulva (Watkins JC et al., PMID: 27834349). This variant is observed on 149/1,593,048 alleles in the general population (gnomAD v4.1.0). It has been reported in the ClinVar database as a germline variant of uncertain significance by one submitter and a germline likely benign variant by two submitters (Variation ID: 403903). Computational predictors suggest that the variant does not impact PIK3CA function. The PIK3CA gene is defined by the ClinGen Brain malformations expert panel as a gene that has a low rate of benign missense variation and where pathogenic missense variants are a common mechanism of disease. Due to limited information, and based on ACMG/AMP guidelines for variant interpretation (Richards S et al., PMID: 25741868), the clinical significance of this variant is uncertain at this time.

Labcorp Genetics (formerly Invitae), Labcorp
Classification: Uncertain significance for Cowden syndrome. Last evaluated: 2025-05-11. Review status: criteria provided, single submitter. Criteria: Invitae Variant Classification Sherloc (09022015). Collection method: clinical testing. Allele origin: germline.
Comment: This sequence change replaces asparagine, which is neutral and polar, with serine, which is neutral and polar, at codon 515 of the PIK3CA protein (p.Asn515Ser). This variant is present in population databases (rs201371389, gnomAD 0.01%). This variant has not been reported in the literature in individuals affected with PIK3CA-related conditions. ClinVar contains an entry for this variant (Variation ID: 403903). Invitae Evidence Modeling of protein sequence and biophysical properties (such as structural, functional, and spatial information, amino acid conservation, physicochemical variation, residue mobility, and thermodynamic stability) indicates that this missense variant is not expected to disrupt PIK3CA protein function with a negative predictive value of 95%. In summary, the available evidence is currently insufficient to determine the role of this variant in disease. Therefore, it has been classified as a Variant of Uncertain Significance.

Blueprint Genetics
Classification: Likely benign. Last evaluated: 2024-10-08. Review status: criteria provided, single submitter. Criteria: ACMG Guidelines, 2015. Collection method: clinical testing. Allele origin: germline.

Clinical Genetics DNA and cytogenetics Diagnostics Lab, Erasmus MC, Erasmus Medical Center
Classification: Likely benign. Review status: no assertion criteria provided. Collection method: clinical testing. Allele origin: germline. Affected: yes. Study: VKGL Data-share Consensus. Not counted in ClinVar's aggregate classification.

Clinical Genetics, Academic Medical Center
Classification: Likely benign. Review status: no assertion criteria provided. Collection method: clinical testing. Allele origin: germline. Affected: yes. Study: VKGL Data-share Consensus. Not counted in ClinVar's aggregate classification.